The following is an entry in ClinVar:

ClinVar aggregate classification (germline): Uncertain significance (1 of 4 stars; one submission).

Conditions:
Kleefstra syndrome 1 (KLEFS1). Identifiers: Orphanet 261494, MedGen C0795833, MONDO:0027407, OMIM 610253.

Submission:

Labcorp Genetics (formerly Invitae), Labcorp
Classification: Uncertain significance for Kleefstra syndrome 1. Last evaluated: 2025-07-23. Review status: criteria provided, single submitter. Criteria: Invitae Variant Classification Sherloc (09022015). Collection method: clinical testing. Allele origin: germline.
Comment: This sequence change replaces proline, which is neutral and non-polar, with arginine, which is basic and polar, at codon 233 of the EHMT1 protein (p.Pro233Arg). This variant is not present in population databases (gnomAD no frequency). This variant has not been reported in the literature in individuals affected with EHMT1-related conditions. Invitae Evidence Modeling of protein sequence and biophysical properties (such as structural, functional, and spatial information, amino acid conservation, physicochemical variation, residue mobility, and thermodynamic stability) indicates that this missense variant is not expected to disrupt EHMT1 protein function with a negative predictive value of 80%. In summary, the available evidence is currently insufficient to determine the role of this variant in disease. Therefore, it has been classified as a Variant of Uncertain Significance.

NM_024757.5(EHMT1):c.698C>G (p.Pro233Arg)

Gene: EHMT1 (euchromatic histone lysine methyltransferase 1; plus strand). Cytogenetic location: 9q34.3.
Variant type: single nucleotide variant.
Coding change: c.698C>G on transcript NM_024757.5 (MANE Select); coding-DNA position 698, C replaced by G.
Protein change: p.Pro233Arg; replaces proline 233 with arginine.
Molecular consequence: missense variant.
Genome position (GRCh38, 1-based): chr9:137,728,404, C>G. VCF-style: chr9-137728404-C-G. GRCh37 (hg19) VCF-style: chr9-140622856-C-G.
Other names: c.698C>G, p.Pro233Arg (NM_001145527.2, NM_001354263.2, NM_001354611.2); c.605C>G, p.Pro202Arg (NM_001354259.2, NM_001354612.2); short protein forms P202R, P233R.
Identifiers: ClinVar variation 4709133 (VCV004709133.1).